The following is an entry in ClinVar:

NM_001453.3(FOXC1):c.1092dup (p.Cys365fs)

Gene: FOXC1 (forkhead box C1; plus strand). Cytogenetic location: 6p25.3.
Variant type: Duplication.
Coding change: c.1092dup on transcript NM_001453.3 (MANE Select); coding-DNA position 1092, one base duplicated (C; older notation c.1092dupC).
Protein change: p.Cys365fs; shifts the reading frame from cysteine 365.
Molecular consequence: frameshift variant.
Genome position (GRCh38, 1-based): chr6:1,611,537, C duplicated; the last of 5 consecutive C bases (chr6:1,611,533-1,611,537); duplicating any one gives the same sequence. VCF-style (leftmost placement, unchanged base first): chr6-1611532-T-TC. GRCh37 (hg19) VCF-style: chr6-1611767-T-TC.
Other names: short protein forms C365fs.
Identifiers: ClinVar variation 2628026 (VCV002628026.3), dbSNP rs2480505369, ClinGen allele CA2677060545.

ClinVar aggregate classification (germline): Likely pathogenic. Review status: criteria provided, multiple submitters, no conflicts (2 of 4 stars). 2 submissions from 2 submitters: Likely pathogenic (2). Last evaluated 2024-09-25.

Conditions:
Axenfeld-Rieger syndrome type 3 (RIEG3). Also called: AXENFELD-RIEGER ANOMALY WITH CARDIAC DEFECTS AND/OR SENSORINEURAL HEARING LOSS. Identifiers: Orphanet 782, MedGen C2678503, MONDO:0011233, OMIM 602482.
FOXC1-related disorders.

Submissions (2):

Blueprint Genetics
Classification: Likely pathogenic for FOXC1-related disorders. Last evaluated: 2024-09-25. Review status: criteria provided, single submitter. Criteria: ACMG Guidelines, 2015. Collection method: clinical testing. Allele origin: germline. Affected: yes. Observed: 1 variant allele.

DBGen Ocular Genomics
Classification: Likely pathogenic for Axenfeld-Rieger syndrome type 3. Last evaluated: 2023-01-01. Review status: criteria provided, single submitter. Criteria: ACMG Guidelines, 2015. Collection method: clinical testing. Allele origin: de novo. Inheritance: Autosomal dominant inheritance. Affected: yes.
Comment: Class 4 ACMG Guidelines, 2015 (PMID:25741868)